The following is an entry in ClinVar:

ClinVar aggregate classification (germline): Likely benign (1 of 4 stars; one submission).

Submission:

CeGaT Center for Human Genetics Tuebingen
Classification: Likely benign. Last evaluated: 2025-06-01. Review status: criteria provided, single submitter. Criteria: CeGaT Center For Human Genetics Tuebingen Variant Classification Criteria Version 2. Collection method: clinical testing. Allele origin: germline. Affected: yes. Observed: 2 variant alleles.
Comment: KRTAP5-2: BP4, BP7

NM_001004325.2(KRTAP5-2):c.279C>T (p.Gly93=)

Genes: KRTAP5-2 (keratin associated protein 5-2; minus strand), KRTAP5-AS1 (KRTAP5-1/KRTAP5-2 antisense RNA 1; plus strand). Cytogenetic location: 11p15.5.
Variant type: single nucleotide variant.
Coding change: c.279C>T on transcript NM_001004325.2 (MANE Select); coding-DNA position 279, C replaced by T.
Protein change: p.Gly93=; no amino-acid change (glycine 93 retained).
Molecular consequence: synonymous variant. On other transcripts: non-coding transcript variant (1).
Genome position (GRCh38, 1-based): chr11:1,597,972, G>A on the plus strand (C>T on the coding strand, the complement: KRTAP5-2 is on the minus strand). VCF-style: chr11-1597972-G-A. GRCh37 (hg19) VCF-style: chr11-1619202-G-A.
Identifiers: ClinVar variation 3777814 (VCV003777814.7).